The following is an entry in ClinVar:

ClinVar aggregate classification (germline): Uncertain significance (1 of 4 stars; one submission).

Submission:

Labcorp Genetics (formerly Invitae), Labcorp
Classification: Uncertain significance. Last evaluated: 2022-02-17. Review status: criteria provided, single submitter. Criteria: Invitae Variant Classification Sherloc (09022015). Collection method: clinical testing. Allele origin: germline.
Comment: This variant is not present in population databases (gnomAD no frequency). This sequence change replaces tyrosine, which is neutral and polar, with histidine, which is basic and polar, at codon 248 of the ABHD5 protein (p.Tyr248His). This variant has not been reported in the literature in individuals affected with ABHD5-related conditions. In summary, the available evidence is currently insufficient to determine the role of this variant in disease. Therefore, it has been classified as a Variant of Uncertain Significance. Algorithms developed to predict the effect of missense changes on protein structure and function (SIFT, PolyPhen-2, Align-GVGD) all suggest that this variant is likely to be disruptive.

NM_016006.6(ABHD5):c.742T>C (p.Tyr248His)

Gene: ABHD5 (abhydrolase domain containing 5, lysophosphatidic acid acyltransferase; plus strand). Cytogenetic location: 3p21.33.
Variant type: single nucleotide variant.
Coding change: c.742T>C on transcript NM_016006.6 (MANE Select); coding-DNA position 742, T replaced by C.
Protein change: p.Tyr248His; replaces tyrosine 248 with histidine.
Molecular consequence: missense variant.
Genome position (GRCh38, 1-based): chr3:43,715,027, T>C. VCF-style: chr3-43715027-T-C. GRCh37 (hg19) VCF-style: chr3-43756519-T-C.
Other names: c.742T>C, p.Tyr248His (NM_001355186.2, NM_001365650.1); c.619T>C, p.Tyr207His (NM_001365649.1); short protein forms Y248H, Y207H.
Identifiers: ClinVar variation 2097892 (VCV002097892.4), dbSNP rs2528785429, ClinGen allele CA352347309.